The following is an entry in ClinVar:

NM_003742.4(ABCB11):c.1381A>G (p.Lys461Glu)

Gene: ABCB11 (ATP binding cassette subfamily B member 11; minus strand). Cytogenetic location: 2q31.1.
Variant type: single nucleotide variant.
Coding change: c.1381A>G on transcript NM_003742.4 (MANE Select); coding-DNA position 1381, A replaced by G.
Protein change: p.Lys461Glu; replaces lysine 461 with glutamic acid.
Molecular consequence: missense variant.
Genome position (GRCh38, 1-based): chr2:168,973,768, T>C on the plus strand (A>G on the coding strand, the complement: ABCB11 is on the minus strand). VCF-style: chr2-168973768-T-C. GRCh37 (hg19) VCF-style: chr2-169830278-T-C.
Other names: p.Lys461Glu; short protein forms K461E.
Identifiers: ClinVar variation 2683616 (VCV002683616.2), dbSNP rs1274558905, ClinGen allele CA349117225.
Genomic context (GRCh38, chr2:168,973,768, plus strand): 5'-CACCCACCATTCCTTCACAGGGGTCATAGAATCGCTGAATGAGTTGCAGTGCTGTACTTT[T>C]TCCAGCTCCACTGGGTCCTACCAGAGCTGTCATTTCCCCTGGTTTAATGACCATGTTGAG-3'
Protein context (NP_003733.2, residues 451-471): TALVGPSGAG[Lys461Glu]STALQLIQRF

ClinVar aggregate classification (germline): Pathogenic/Likely pathogenic. Review status: criteria provided, multiple submitters, no conflicts (2 of 4 stars). 2 submissions from 2 submitters: Pathogenic (1); Likely pathogenic (1). Last evaluated 2026-04-14.

Conditions:
Familial intrahepatic cholestasis. Identifiers: Orphanet 284385, MedGen CN296401, MONDO:0017290.

Submissions (2):

Genomenon, Inc
Classification: Likely pathogenic for Familial intrahepatic cholestasis. Last evaluated: 2026-04-14. Review status: criteria provided, single submitter. Criteria: Genomenon Sequence Variant Interpretation Standards - Updated. Collection method: curation. Allele origin: germline. Affected: yes.
Comment: ABCB11 p.Lys461Glu (c.1381A>G) is a missense variant that changes the amino acid at residue 461 from Lysine to Glutamic acid. This variant has been observed in at least one proband with an ABCB11-related disorder (PMID:37361697;21822150;9806540). It has been observed in trans with a pathogenic or likely pathogenic variant (PMID:21822150). At least one functional study has demonstrated a substantial alteration in protein function relative to the wild-type (PMID:17947449). It is absent or not present at a significant frequency in gnomAD. In silico models predict that this variant is possibly or probably damaging. In conclusion, we classify ABCB11 p.Lys461Glu (c.1381A>G) as a likely pathogenic variant.

Mayo Clinic Laboratories, Mayo Clinic
Classification: Pathogenic. Last evaluated: 2022-11-23. Review status: criteria provided, single submitter. Criteria: ACMG Guidelines, 2015. Collection method: clinical testing. Allele origin: germline. Observed: 1 variant allele.
Comment: PP3, PM2, PM3_strong, PS3, PS4_moderate

Literature cited by the submitters: PubMed 37361697 (cited by Genomenon, Inc); PubMed 21822150 (cited by Genomenon, Inc and Mayo Clinic Laboratories, Mayo Clinic); PubMed 9806540 (cited by Genomenon, Inc and Mayo Clinic Laboratories, Mayo Clinic); PubMed 17947449 (cited by Genomenon, Inc and Mayo Clinic Laboratories, Mayo Clinic); PubMed 18376240 (cited by Mayo Clinic Laboratories, Mayo Clinic); PubMed 19101985 (cited by Mayo Clinic Laboratories, Mayo Clinic); PubMed 20849526 (cited by Mayo Clinic Laboratories, Mayo Clinic); PubMed 21103971 (cited by Mayo Clinic Laboratories, Mayo Clinic); PubMed 21219577 (cited by Mayo Clinic Laboratories, Mayo Clinic); PubMed 22001980 (cited by Mayo Clinic Laboratories, Mayo Clinic); PubMed 33201677 (cited by Mayo Clinic Laboratories, Mayo Clinic); PubMed 34016879 (cited by Mayo Clinic Laboratories, Mayo Clinic).